The following is an entry in ClinVar:

NM_004465.2(FGF10):c.287G>A (p.Gly96Glu)

Gene: FGF10 (fibroblast growth factor 10; minus strand). Cytogenetic location: 5p12.
Variant type: single nucleotide variant.
Coding change: c.287G>A on transcript NM_004465.2 (MANE Select); coding-DNA position 287, G replaced by A.
Protein change: p.Gly96Glu; replaces glycine 96 with glutamic acid.
Molecular consequence: missense variant.
Genome position (GRCh38, 1-based): chr5:44,388,396, C>T on the plus strand (G>A on the coding strand, the complement: FGF10 is on the minus strand). VCF-style: chr5-44388396-C-T. GRCh37 (hg19) VCF-style: chr5-44388498-C-T.
Other names: short protein forms G96E.
Identifiers: ClinVar variation 4881044 (VCV004881044.2).

ClinVar aggregate classification (germline): Uncertain significance (1 of 4 stars; one submission).

Submission:

Dasa
Classification: Uncertain significance. Last evaluated: 2025-10-09. Review status: criteria provided, single submitter. Criteria: DASA Assertion Criteria. Collection method: clinical testing. Allele origin: germline.
Comment: NM_004465.2(FGF10):c.287G>A (p.Gly96Glu) is a missense variant that results in the substitution of glycine with glutamic acid. This variant is absent from population databases. Computational prediction algorithms are consistent with a deleterious effect. The currently available literature and clinical evidence are not sufficient to establish a definitive association between this variant and the reported condition. Therefore, this variant is classified as a variant of uncertain significance.